The following is an entry in ClinVar:

NM_000400.4(ERCC2):c.980A>T (p.Glu327Val)

Gene: ERCC2 (ERCC excision repair 2, TFIIH core complex helicase subunit; minus strand). Cytogenetic location: 19q13.32.
Variant type: single nucleotide variant.
Coding change: c.980A>T on transcript NM_000400.4 (MANE Select); coding-DNA position 980, A replaced by T.
Protein change: p.Glu327Val; replaces glutamic acid 327 with valine.
Molecular consequence: missense variant.
Genome position (GRCh38, 1-based): chr19:45,363,881, T>A on the plus strand (A>T on the coding strand, the complement: ERCC2 is on the minus strand). VCF-style: chr19-45363881-T-A. GRCh37 (hg19) VCF-style: chr19-45867139-T-A.
Other names: c.908A>T, p.Glu303Val (NM_001130867.2); short protein forms E303V, E327V.
Identifiers: ClinVar variation 2479722 (VCV002479722.2), dbSNP rs779381865, ClinGen allele CA406373029.
Genomic context (GRCh38, chr19:45,363,881, plus strand): 5'-TGCACACGCAGCCGCCACTTCACGTACTCCAGCAGCCGCCTCAGGAAGCCCAGGAAATGC[T>A]CGGCCGTGCGGATGGAGCCAGGCACTGCCTCTGCGAGGAGACGCTATCAGCGGCGACGGG-3'
Protein context (NP_000391.1, residues 317-337): EAVPGSIRTA[Glu327Val]HFLGFLRRLL

ClinVar aggregate classification (germline): Uncertain significance (1 of 4 stars; one submission).

Conditions:
Inborn genetic diseases. Identifiers: MedGen C0950123, MeSH D030342.

gnomAD v4.1: 6 of 1,550,936 alleles (0.00039%); highest among the groups gnomAD compares: African/African-American, 0.0014%; no homozygotes.

Submission:

Ambry Genetics
Classification: Uncertain significance for Inborn genetic diseases. Last evaluated: 2022-11-04. Review status: criteria provided, single submitter. Criteria: Ambry Variant Classification Scheme 2023. Collection method: clinical testing. Allele origin: germline.
Comment: The p.E327V variant (also known as c.980A>T), located in coding exon 11 of the ERCC2 gene, results from an A to T substitution at nucleotide position 980. The glutamic acid at codon 327 is replaced by valine, an amino acid with dissimilar properties. This amino acid position is conserved. In addition, this alteration is predicted to be deleterious by in silico analysis. Since supporting evidence is limited at this time, the clinical significance of this alteration remains unclear.